The following is an entry in ClinVar:

NM_016203.4(PRKAG2):c.585T>A (p.Ser195=)

Gene: PRKAG2 (protein kinase AMP-activated non-catalytic subunit gamma 2; minus strand). Cytogenetic location: 7q36.1.
Variant type: single nucleotide variant.
Coding change: c.585T>A on transcript NM_016203.4 (MANE Select); coding-DNA position 585, T replaced by A.
Protein change: p.Ser195=; no amino-acid change (serine 195 retained).
Molecular consequence: synonymous variant.
Genome position (GRCh38, 1-based): chr7:151,675,519, A>T on the plus strand (T>A on the coding strand, the complement: PRKAG2 is on the minus strand). VCF-style: chr7-151675519-A-T. GRCh37 (hg19) VCF-style: chr7-151372605-A-T.
Other names: c.453T>A, p.Ser151= (NM_001040633.2); c.213T>A, p.Ser71= (NM_001363698.2, NM_001304527.2); c.585T>A (NM_016203.3).
Identifiers: ClinVar variation 919968 (VCV000919968.16), dbSNP rs781522393, ClinGen allele CA057582.

ClinVar aggregate classification (germline): Likely benign. Review status: criteria provided, multiple submitters, no conflicts (2 of 4 stars). 5 submissions from 5 submitters: Likely benign (5). Last evaluated 2025-12-09.

Conditions:
Cardiovascular phenotype. Identifiers: MedGen CN230736.
Lethal congenital glycogen storage disease of heart. Also called: GLYCOGEN STORAGE DISEASE OF HEART; PHOSPHORYLASE KINASE DEFICIENCY OF HEART. Identifiers: Orphanet 439854, MedGen C1849813, MONDO:0009867, OMIM 261740.
Cardiomyopathy (CMYO). Also called: Cardiomyopathies. Identifiers: Orphanet 167848, MedGen C0878544, MONDO:0004994, HP:0001638. Inheritance: Various modes of inheritance.
Hypertrophic cardiomyopathy. Also called: HYPERTROPHIC MYOCARDIOPATHY. Identifiers: Orphanet 217569, MedGen C0007194, MeSH D002312, MONDO:0005045, HP:0001639.

Allele frequency attached by ClinVar (database versions not stated): ExAC 0.00001; gnomAD exomes 0.00001; TOPMed 0.00002.
gnomAD v4.1: 6 of 1,614,054 alleles (0.00037%); highest among the groups gnomAD compares: African/African-American, 0.0027%; no homozygotes.

Submissions (5):

Labcorp Genetics (formerly Invitae), Labcorp
Classification: Likely benign for Lethal congenital glycogen storage disease of heart. Last evaluated: 2025-12-09. Review status: criteria provided, single submitter. Criteria: Invitae Variant Classification Sherloc (09022015). Collection method: clinical testing. Allele origin: germline.

All of Us Research Program, National Institutes of Health
Classification: Likely benign for Hypertrophic cardiomyopathy. Last evaluated: 2023-12-07. Review status: criteria provided, single submitter. Criteria: ACMG Guidelines, 2015. Collection method: clinical testing. Allele origin: germline. Inheritance: Autosomal dominant inheritance. Observed: 3 variant alleles, 3 heterozygotes.
Comment: This study involves interpretation of variants in research participants for the purpose of population health screening. Participant phenotype was not available at the time of variant classification. Additional details can be found in publication PMID: 35346344, PMCID: PMC8962531

Ambry Genetics
Classification: Likely benign for Cardiovascular phenotype. Last evaluated: 2021-07-15. Review status: criteria provided, single submitter. Criteria: Ambry Variant Classification Scheme 2023. Collection method: clinical testing. Allele origin: germline.

GeneDx
Classification: Likely benign. Last evaluated: 2019-02-13. Review status: criteria provided, single submitter. Criteria: GeneDx Variant Classification Process June 2021. Collection method: clinical testing. Allele origin: germline. Affected: yes.

Color Diagnostics, LLC DBA Color Health
Classification: Likely benign for Cardiomyopathy. Last evaluated: 2019-02-09. Review status: criteria provided, single submitter. Criteria: ACMG Guidelines, 2015. Collection method: clinical testing. Allele origin: germline.